The following is an entry in ClinVar:

ClinVar aggregate classification (germline): Pathogenic (3 of 4 stars; one submission).

Conditions:
Breast-ovarian cancer, familial, susceptibility to, 1 (BROVCA1). Also called: BRCA1 Hereditary Breast and Ovarian Cancer; OVARIAN CANCER, SUSCEPTIBILITY TO. Identifiers: Orphanet 145, MedGen C2676676, MONDO:0011450, OMIM 604370. Disease mechanism: loss of function.

Submission:

Evidence-based Network for the Interpretation of Germline Mutant Alleles (ENIGMA)
Classification: Pathogenic for Breast-ovarian cancer, familial, susceptibility to, 1. Last evaluated: 2016-10-18. Review status: reviewed by expert panel. Criteria: ENIGMA BRCA1/2 Classification Criteria (2015). Collection method: curation. Allele origin: germline.
Comment: Variant allele predicted to encode a truncated non-functional protein.

NM_007294.4(BRCA1):c.5348del (p.Met1783fs)

Gene: BRCA1 (BRCA1 DNA repair associated; minus strand). Cytogenetic location: 17q21.31.
Variant type: Deletion.
Coding change: c.5348del on transcript NM_007294.4 (MANE Select); coding-DNA position 5348, one base deleted (T; older notation c.5348delT).
Protein change: p.Met1783fs; shifts the reading frame from methionine 1783.
Molecular consequence: frameshift variant. On other transcripts: non-coding transcript variant (1), intron variant (1).
Genome position (GRCh38, 1-based): chr17:43,049,179, A deleted on the plus strand (T on the coding strand, the reverse complement: BRCA1 is on the minus strand). VCF-style (leftmost placement, unchanged base first): chr17-43049178-CA-C. GRCh37 (hg19) VCF-style: chr17-41201195-CA-C.
Other names: 5467delT; c.5222delT, p.Met1741Argfs (NM_001407674.1, NM_001407675.1, NM_001407676.1 and 8 more transcripts); c.5219delT, p.Met1740Argfs (NM_001407681.1, NM_001407682.1, NM_001407683.1 and 5 more transcripts); c.5216delT, p.Met1739Argfs (NM_001407690.1, NM_001407691.1); c.5207delT, p.Met1736Argfs (NM_001407692.1, NM_001407694.1, NM_001407695.1 and 11 more transcripts); c.5204delT, p.Met1735Argfs (NM_001407732.1, NM_001407733.1, NM_001407734.1 and 18 more transcripts); c.5201delT, p.Met1734Argfs (NM_001407838.1, NM_001407839.1, NM_001407841.1 and 12 more transcripts); c.5147delT, p.Met1716Argfs (NM_001407862.1); and 76 more; short protein forms M1736fs, M1783fs, M1804fs, M679fs.
Identifiers: ClinVar variation 266548 (VCV000266548.4), dbSNP rs886040292, ClinGen allele CA10589596.